The following is an entry in ClinVar:

ClinVar aggregate classification (germline): Likely benign (1 of 4 stars; one submission).

Allele frequency attached by ClinVar (database versions not stated): ExAC 0.00009; TOPMed 0.00011; gnomAD exomes 0.00029.
gnomAD v4.1: 344 of 1,271,718 alleles (0.027%); highest among the groups gnomAD compares: Non-Finnish European, 0.036%; 1 homozygote.

Submission:

CeGaT Center for Human Genetics Tuebingen
Classification: Likely benign. Last evaluated: 2025-08-01. Review status: criteria provided, single submitter. Criteria: CeGaT Center For Human Genetics Tuebingen Variant Classification Criteria Version 2. Collection method: clinical testing. Allele origin: germline. Affected: yes. Observed: 2 variant alleles.
Comment: ZFYVE26: BP4, BP7

NM_015346.4(ZFYVE26):c.6588+84C>A

Gene: ZFYVE26 (zinc finger FYVE-type containing 26; minus strand). Cytogenetic location: 14q24.1.
Variant type: single nucleotide variant.
Coding change: c.6588+84C>A on transcript NM_015346.4 (MANE Select); 84 bases into the intron after coding-DNA position 6588, C replaced by A.
Molecular consequence: intron variant.
Genome position (GRCh38, 1-based): chr14:67,761,282, G>T on the plus strand (C>A on the coding strand, the complement: ZFYVE26 is on the minus strand). VCF-style: chr14-67761282-G-T. GRCh37 (hg19) VCF-style: chr14-68227999-G-T.
Identifiers: ClinVar variation 3250606 (VCV003250606.18), dbSNP rs575640818.